The following is an entry in ClinVar:

NM_178138.6(LHX3):c.79+1990_79+1992del

Gene: LHX3 (LIM homeobox 3; minus strand). Cytogenetic location: 9q34.3.
Variant type: Deletion.
Coding change: c.79+1990_79+1992del on transcript NM_178138.6 (MANE Select); bases 1990 to 1992 of the intron after coding-DNA position 79, 3 bases deleted (TGG; older notation c.79+1990_79+1992delTGG).
Molecular consequence: intron variant. On other transcripts: splice donor variant (1).
Genome position (GRCh38, 1-based): chr9:136,202,942-136,202,944, CCA deleted on the plus strand (TGG on the coding strand, the reverse complement: LHX3 is on the minus strand); deleting any 3 consecutive bases within chr9:136,202,942-136,202,946 gives the same sequence; the c. name uses the placement nearest the transcript's 3' end. VCF-style (leftmost placement, unchanged base first): chr9-136202941-CCCA-C. GRCh37 (hg19) VCF-style: chr9-139094787-CCCA-C.
Other names: c.94+2_94+4del (NM_014564.5).
Identifiers: ClinVar variation 4804188 (VCV004804188.1).
Genomic context (GRCh38, chr9:136,202,941, plus strand): 5'-CAGGCCCGGAAAGGCCTGAGGATCTCCTGGTCTCCCCGGTGCAGCCACTCGGCCCGGGCA[CCCA>C]CCTCGGCGCAGGTCCGCCCTCCGCGCCAGCAGTGCTAGCAGCAGGTCGCCTCCCGCCGAC-3'

ClinVar aggregate classification (germline): Likely pathogenic (1 of 4 stars; one submission).

Submission:

Labcorp Genetics (formerly Invitae), Labcorp
Classification: Likely pathogenic. Last evaluated: 2025-06-02. Review status: criteria provided, single submitter. Criteria: Invitae Variant Classification Sherloc (09022015). Collection method: clinical testing. Allele origin: germline.
Comment: This sequence change affects a splice site in intron 1 of the LHX3 gene. It is expected to disrupt RNA splicing. Variants that disrupt the donor or acceptor splice site typically lead to a loss of protein function (PMID: 16199547), and loss-of-function variants in LHX3 are known to be pathogenic (PMID: 16394081, 18407919). This variant is not present in population databases (gnomAD no frequency). This variant has not been reported in the literature in individuals affected with LHX3-related conditions. Algorithms developed to predict the effect of sequence changes on RNA splicing suggest that this variant may disrupt the consensus splice site. In summary, the currently available evidence indicates that the variant is pathogenic, but additional data are needed to prove that conclusively. Therefore, this variant has been classified as Likely Pathogenic.

Literature cited by the submitters: PubMed 16199547; PubMed 16394081; PubMed 18407919.